The following is an entry in ClinVar:

ClinVar aggregate classification (germline): Uncertain significance (1 of 4 stars; one submission).

Submission:

Labcorp Genetics (formerly Invitae), Labcorp
Classification: Uncertain significance. Last evaluated: 2025-04-10. Review status: criteria provided, single submitter. Criteria: Invitae Variant Classification Sherloc (09022015). Collection method: clinical testing. Allele origin: germline.
Comment: This sequence change replaces leucine, which is neutral and non-polar, with histidine, which is basic and polar, at codon 497 of the ARHGEF18 protein (p.Leu497His). This variant is not present in population databases (gnomAD no frequency). This variant has not been reported in the literature in individuals affected with ARHGEF18-related conditions. ClinVar contains an entry for this variant (Variation ID: 3664569). An algorithm developed to predict the effect of missense changes on protein structure and function (PolyPhen-2) suggests that this variant is likely to be disruptive. In summary, the available evidence is currently insufficient to determine the role of this variant in disease. Therefore, it has been classified as a Variant of Uncertain Significance.

NM_001367823.1(ARHGEF18):c.2054T>A (p.Leu685His)

Gene: ARHGEF18 (Rho/Rac guanine nucleotide exchange factor 18; plus strand). Cytogenetic location: 19p13.2.
Variant type: single nucleotide variant.
Coding change: c.2054T>A on transcript NM_001367823.1 (MANE Select); coding-DNA position 2054, T replaced by A.
Protein change: p.Leu685His; replaces leucine 685 with histidine.
Molecular consequence: missense variant.
Genome position (GRCh38, 1-based): chr19:7,453,665, T>A. VCF-style: chr19-7453665-T-A. GRCh37 (hg19) VCF-style: chr19-7518551-T-A.
Other names: c.1328T>A, p.Leu443His (NM_001130955.2); c.1016T>A, p.Leu339His (NM_001367824.1, NM_015318.4); short protein forms L685H, L339H, L443H.
Identifiers: ClinVar variation 3664569 (VCV003664569.2).